The following is an entry in ClinVar:

NM_173630.4(RTTN):c.2528_2530del (p.Val843del)

Gene: RTTN (rotatin; minus strand). Cytogenetic location: 18q22.2.
Variant type: Deletion.
Coding change: c.2528_2530del on transcript NM_173630.4 (MANE Select); coding-DNA positions 2528 to 2530, 3 bases deleted (TTG; older notation c.2528_2530delTTG).
Protein change: p.Val843del; deletes valine 843.
Molecular consequence: inframe deletion. On other transcripts: 5 prime UTR variant (1).
Genome position (GRCh38, 1-based): chr18:70,142,339-70,142,341, CAA deleted on the plus strand (TTG on the coding strand, the reverse complement: RTTN is on the minus strand); deleting any 3 consecutive bases within chr18:70,142,339-70,142,343 gives the same sequence; the c. name uses the placement nearest the transcript's 3' end. VCF-style (leftmost placement, unchanged base first): chr18-70142338-TCAA-T. GRCh37 (hg19) VCF-style: chr18-67809574-TCAA-T.
Other names: c.-120_-118del (NM_001318520.2); short protein forms V843del.
Identifiers: ClinVar variation 2292745 (VCV002292745.2), dbSNP rs937213783, ClinGen allele CA301921140.

ClinVar aggregate classification (germline): Uncertain significance (1 of 4 stars; one submission).

Conditions:
Inborn genetic diseases. Identifiers: MedGen C0950123, MeSH D030342.

Submission:

Ambry Genetics
Classification: Uncertain significance for Inborn genetic diseases. Last evaluated: 2021-08-25. Review status: criteria provided, single submitter. Criteria: Ambry Variant Classification Scheme 2023. Collection method: clinical testing. Allele origin: germline.
Comment: The c.2528_2530delTTG (p.V843del) alteration is located in exon 19 (coding exon 19) of the RTTN gene. This alteration consists of an in-frame deletion of 3 nucleotides between nucleotide positions c.2528 and c.2530, resulting in the deletion of 1 residue. Based on insufficient or conflicting evidence, the clinical significance of this alteration remains unclear.